The following is an entry in ClinVar:

ClinVar aggregate classification (germline): Likely benign (0 of 4 stars; one submission).

Conditions:
CX3CR1-related disorder. Also called: CX3CR1-related condition.

Allele frequency attached by ClinVar (database versions not stated): gnomAD exomes 0.00005; ExAC 0.00017; 1000 Genomes Project 30x 0.00031; 1000 Genomes Project 0.00040; ESP Exome Variant Server 0.00066; TOPMed 0.00073; gnomAD 0.00077.
gnomAD v4.1: 200 of 1,614,236 alleles (0.012%); highest among the groups gnomAD compares: African/African-American, 0.23%; no homozygotes.

Submission:

PreventionGenetics, part of Exact Sciences
Classification: Likely benign for CX3CR1-related condition. Last evaluated: 2019-07-31. Review status: no assertion criteria provided. Collection method: clinical testing. Allele origin: germline.
Comment: This variant is classified as likely benign based on ACMG/AMP sequence variant interpretation guidelines (Richards et al. 2015 PMID: 25741868, with internal and published modifications).

NM_001337.4(CX3CR1):c.657T>C (p.Phe219=)

Gene: CX3CR1 (C-X3-C motif chemokine receptor 1; minus strand). Cytogenetic location: 3p22.2.
Variant type: single nucleotide variant.
Coding change: c.657T>C on transcript NM_001337.4 (MANE Select); coding-DNA position 657, T replaced by C.
Protein change: p.Phe219=; no amino-acid change (phenylalanine 219 retained).
Molecular consequence: synonymous variant.
Genome position (GRCh38, 1-based): chr3:39,265,853, A>G on the plus strand (T>C on the coding strand, the complement: CX3CR1 is on the minus strand). VCF-style: chr3-39265853-A-G. GRCh37 (hg19) VCF-style: chr3-39307344-A-G.
Other names: c.657T>C, p.Phe219= (NM_001171171.2, NM_001171172.2); c.753T>C, p.Phe251= (NM_001171174.1).
Identifiers: ClinVar variation 3034897 (VCV003034897.2), dbSNP rs4986872, ClinGen allele CA2326916.